The following is an entry in ClinVar:

NM_001111.5(ADAR):c.2536A>G (p.Met846Val)

Genes: ADAR (adenosine deaminase RNA specific; minus strand), LOC126805874 (CDK7 strongly-dependent group 2 enhancer GRCh37_chr1:154561176-154562375; plus strand). Cytogenetic location: 1q21.3.
Variant type: single nucleotide variant.
Coding change: c.2536A>G on transcript NM_001111.5 (MANE Select); coding-DNA position 2536, A replaced by G.
Protein change: p.Met846Val; replaces methionine 846 with valine.
Molecular consequence: missense variant.
Genome position (GRCh38, 1-based): chr1:154,589,889, T>C on the plus strand (A>G on the coding strand, the complement: ADAR is on the minus strand). VCF-style: chr1-154589889-T-C. GRCh37 (hg19) VCF-style: chr1-154562365-T-C.
Other names: c.1651A>G, p.Met551Val (NM_001025107.3, NM_001193495.2, NM_001365046.1 and 2 more transcripts); c.2563A>G, p.Met855Val (NM_001365045.1); c.1573A>G, p.Met525Val (NM_001365049.1); c.2458A>G, p.Met820Val (NM_015840.4); c.2401A>G, p.Met801Val (NM_015841.4); short protein forms M820V, M525V, M801V, M551V, M846V, M855V.
Identifiers: ClinVar variation 2938439 (VCV002938439.3), dbSNP rs2526514974, ClinGen allele CA342637028.

ClinVar aggregate classification (germline): Uncertain significance (1 of 4 stars; one submission).

Conditions:
Symmetrical dyschromatosis of extremities (DSH). Also called: RETICULATE ACROPIGMENTATION OF DOHI; SYMMETRIC DYSCHROMATOSIS OF THE EXTREMITIES; DYSCHROMATOSIS SYMMETRICA HEREDITARIA 1; Dyschromatosis symmetrica hereditaria. Identifiers: Orphanet 41, MedGen C0406775, MONDO:0007483, OMIM 127400.
Aicardi-Goutieres syndrome 6 (AGS6). Identifiers: Orphanet 51, MedGen C3539013, MONDO:0014007, OMIM 615010.

Submission:

Labcorp Genetics (formerly Invitae), Labcorp
Classification: Uncertain significance for Aicardi-Goutieres syndrome 6; Symmetrical dyschromatosis of extremities. Last evaluated: 2023-02-17. Review status: criteria provided, single submitter. Criteria: Invitae Variant Classification Sherloc (09022015). Collection method: clinical testing. Allele origin: germline.
Comment: In summary, the available evidence is currently insufficient to determine the role of this variant in disease. Therefore, it has been classified as a Variant of Uncertain Significance. Advanced modeling of protein sequence and biophysical properties (such as structural, functional, and spatial information, amino acid conservation, physicochemical variation, residue mobility, and thermodynamic stability) has been performed at Invitae for this missense variant, however the output from this modeling did not meet the statistical confidence thresholds required to predict the impact of this variant on ADAR protein function. This variant has not been reported in the literature in individuals affected with ADAR-related conditions. This variant is not present in population databases (gnomAD no frequency). This sequence change replaces methionine, which is neutral and non-polar, with valine, which is neutral and non-polar, at codon 846 of the ADAR protein (p.Met846Val).